The following is an entry in ClinVar:

ClinVar aggregate classification (germline): Uncertain significance (1 of 4 stars; one submission).

Conditions:
Hereditary cancer-predisposing syndrome. Also called: Neoplastic Syndromes, Hereditary; Tumor predisposition; Hereditary Cancer Syndrome; Hereditary neoplastic syndrome. Identifiers: Orphanet 140162, MedGen C0027672, MeSH D009386, MONDO:0015356.

Submission:

Ambry Genetics
Classification: Uncertain significance for Hereditary cancer-predisposing syndrome. Last evaluated: 2020-11-30. Review status: criteria provided, single submitter. Criteria: Ambry Variant Classification Scheme 2023. Collection method: clinical testing. Allele origin: germline.
Comment: The p.E412D variant (also known as c.1236A>C), located in coding exon 8 of the BRIP1 gene, results from an A to C substitution at nucleotide position 1236. The glutamic acid at codon 412 is replaced by aspartic acid, an amino acid with highly similar properties. This amino acid position is well conserved in available vertebrate species. In addition, this alteration is predicted to be tolerated by in silico analysis. Since supporting evidence is limited at this time, the clinical significance of this alteration remains unclear.

NM_032043.3(BRIP1):c.1236A>C (p.Glu412Asp)

Gene: BRIP1 (BRCA1 interacting DNA helicase 1; minus strand). Cytogenetic location: 17q23.2.
Variant type: single nucleotide variant.
Coding change: c.1236A>C on transcript NM_032043.3 (MANE Select); coding-DNA position 1236, A replaced by C.
Protein change: p.Glu412Asp; replaces glutamic acid 412 with aspartic acid.
Molecular consequence: missense variant.
Genome position (GRCh38, 1-based): chr17:61,799,204, T>G on the plus strand (A>C on the coding strand, the complement: BRIP1 is on the minus strand). VCF-style: chr17-61799204-T-G. GRCh37 (hg19) VCF-style: chr17-59876565-T-G.
Other names: short protein forms E412D.
Identifiers: ClinVar variation 1756838 (VCV001756838.2), dbSNP rs2545137082, ClinGen allele CA400483630.